The following is an entry in ClinVar:

ClinVar aggregate classification (germline): Uncertain significance. Review status: criteria provided, multiple submitters, no conflicts (2 of 4 stars). 3 submissions from 3 submitters: Uncertain significance (3). Last evaluated 2026-02-23.

Conditions:
Hereditary cancer-predisposing syndrome. Also called: Tumor predisposition; Hereditary neoplastic syndrome; Hereditary Cancer Syndrome; Neoplastic Syndromes, Hereditary. Identifiers: Orphanet 140162, MedGen C0027672, MeSH D009386, MONDO:0015356.
Neurofibromatosis, type 2 (SWNV). Also called: BILATERAL ACOUSTIC NEUROFIBROMATOSIS; NF2-Related Schwannomatosis; SCHWANNOMATOSIS, VESTIBULAR. Identifiers: Orphanet 637, MedGen C0027832, MONDO:0007039, OMIM 101000. Disease mechanism: loss of function.

Allele frequency attached by ClinVar (database versions not stated): gnomAD 0.00001; TOPMed 0.00001.
gnomAD v4.1: 2 of 1,614,100 alleles (0.00012%); highest among the groups gnomAD compares: African/African-American, 0.0027%; no homozygotes.

Submissions (3):

Ambry Genetics
Classification: Uncertain significance for Hereditary cancer-predisposing syndrome. Last evaluated: 2026-02-23. Review status: criteria provided, single submitter. Criteria: Ambry Variant Classification Scheme 2023. Collection method: clinical testing. Allele origin: germline.
Comment: The p.H84Y variant (also known as c.250C>T), located in coding exon 3 of the NF2 gene, results from a C to T substitution at nucleotide position 250. The histidine at codon 84 is replaced by tyrosine, an amino acid with similar properties. This amino acid position is not well conserved in available vertebrate species. In addition, the in silico prediction for this alteration is inconclusive. Based on the available evidence, the clinical significance of this variant remains unclear.

Labcorp Genetics (formerly Invitae), Labcorp
Classification: Uncertain significance for Neurofibromatosis, type 2. Last evaluated: 2026-01-19. Review status: criteria provided, single submitter. Criteria: Invitae Variant Classification Sherloc (09022015). Collection method: clinical testing. Allele origin: germline.
Comment: This sequence change replaces histidine, which is basic and polar, with tyrosine, which is neutral and polar, at codon 84 of the NF2 protein (p.His84Tyr). This variant is present in population databases (no rsID available, gnomAD 0.007%). This variant has not been reported in the literature in individuals affected with NF2-related conditions. ClinVar contains an entry for this variant (Variation ID: 2885274). Invitae Evidence Modeling of protein sequence and biophysical properties (such as structural, functional, and spatial information, amino acid conservation, physicochemical variation, residue mobility, and thermodynamic stability) indicates that this missense variant is not expected to disrupt NF2 protein function with a negative predictive value of 80%. In summary, the available evidence is currently insufficient to determine the role of this variant in disease. Therefore, it has been classified as a Variant of Uncertain Significance.

All of Us Research Program, National Institutes of Health
Classification: Uncertain significance for Neurofibromatosis, type 2. Last evaluated: 2023-08-15. Review status: criteria provided, single submitter. Criteria: ACMG Guidelines, 2015. Collection method: clinical testing. Allele origin: germline. Inheritance: Autosomal dominant inheritance. Observed: 1 variant allele, 1 heterozygote.
Comment: This study involves interpretation of variants in research participants for the purpose of population health screening. Participant phenotype was not available at the time of variant classification. Additional details can be found in publication PMID: 35346344, PMCID: PMC8962531

NM_000268.4(NF2):c.250C>T (p.His84Tyr)

Gene: NF2 (NF2, moesin-ezrin-radixin like (MERLIN) tumor suppressor; plus strand). Cytogenetic location: 22q12.2.
Variant type: single nucleotide variant.
Coding change: c.250C>T on transcript NM_000268.4 (MANE Select); coding-DNA position 250, C replaced by T.
Protein change: p.His84Tyr; replaces histidine 84 with tyrosine.
Molecular consequence: missense variant. On other transcripts: 5 prime UTR variant (1), intron variant (8).
Genome position (GRCh38, 1-based): chr22:29,639,099, C>T. VCF-style: chr22-29639099-C-T. GRCh37 (hg19) VCF-style: chr22-30035088-C-T.
Other names: c.136C>T, p.His46Tyr (NM_001407053.1, NM_001407056.1); c.124C>T, p.His42Tyr (NM_001407055.1, NM_181828.3); c.250C>T, p.His84Tyr (NM_001407057.1, NM_001407059.1, NM_001407060.1 and 5 more transcripts); c.-391C>T (NM_001407065.1); c.19C>T, p.His7Tyr (NM_001407067.1); c.240+2223C>T (NM_001407058.1, NM_181829.3, NM_001407054.1 and 1 more transcripts); c.115-3103C>T (NM_001407063.1, NM_181830.3, NM_001407064.1 and 1 more transcripts); short protein forms H42Y, H7Y, H46Y, H84Y.
Identifiers: ClinVar variation 2885274 (VCV002885274.5), dbSNP rs1347744596, ClinGen allele CA411152998.
Genomic context (GRCh38, chr22:29,639,099, plus strand): 5'-AGGAGGAAGTGCCAATATAGTGTGTTTGTCTTTTGCTCTGCAATTCTGCAGGTACTGGAT[C>T]ATGATGTTTCAAAGGAAGAACCAGTCACCTTTCACTTCTTGGCCAAATTTTATCCTGAGA-3'
Protein context (NP_000259.1, residues 74-94): WLKMDKKVLD[His84Tyr]DVSKEEPVTF